The following is an entry in ClinVar:

NM_003848.4(SUCLG2):c.358A>G (p.Met120Val)

Gene: SUCLG2 (succinate-CoA ligase GDP-forming subunit beta; minus strand). Cytogenetic location: 3p14.1.
Variant type: single nucleotide variant.
Coding change: c.358A>G on transcript NM_003848.4 (MANE Select); coding-DNA position 358, A replaced by G.
Protein change: p.Met120Val; replaces methionine 120 with valine.
Molecular consequence: missense variant.
Genome position (GRCh38, 1-based): chr3:67,528,191, T>C on the plus strand (A>G on the coding strand, the complement: SUCLG2 is on the minus strand). VCF-style: chr3-67528191-T-C. GRCh37 (hg19) VCF-style: chr3-67578615-T-C.
Other names: c.358A>G, p.Met120Val (NM_001177599.2); short protein forms M120V.
Identifiers: ClinVar variation 1951649 (VCV001951649.5), dbSNP rs2471231200, ClinGen allele CA353554893.
Genomic context (GRCh38, chr3:67,528,191, plus strand): 5'-CCTTGTTAACTTTCACACCTTCTTTTGGAGTTTGTTTTGTCGCTAGATTGTACCCAATCA[T>C]CTGTTTAGCCAGCTGTCCCACAACATTAGGGCTAAGAGAAAGAGAAAACAAGCAGAAAAT-3'
Protein context (NP_003839.2, residues 110-130): PNVVGQLAKQ[Met120Val]IGYNLATKQT

ClinVar aggregate classification (germline): Uncertain significance (1 of 4 stars; one submission).

Allele frequency attached by ClinVar (database versions not stated): gnomAD exomes below 0.00001.

Submission:

Labcorp Genetics (formerly Invitae), Labcorp
Classification: Uncertain significance. Last evaluated: 2022-06-15. Review status: criteria provided, single submitter. Criteria: Invitae Variant Classification Sherloc (09022015). Collection method: clinical testing. Allele origin: germline.
Comment: In summary, the available evidence is currently insufficient to determine the role of this variant in disease. Therefore, it has been classified as a Variant of Uncertain Significance. Algorithms developed to predict the effect of missense changes on protein structure and function are either unavailable or do not agree on the potential impact of this missense change (SIFT: "Deleterious"; PolyPhen-2: "Probably Damaging"; Align-GVGD: "Class C15"). This variant has not been reported in the literature in individuals affected with SUCLG2-related conditions. This variant is not present in population databases (gnomAD no frequency). This sequence change replaces methionine, which is neutral and non-polar, with valine, which is neutral and non-polar, at codon 120 of the SUCLG2 protein (p.Met120Val).